The following is an entry in ClinVar:

ClinVar aggregate classification (germline): Pathogenic/Likely pathogenic. Review status: criteria provided, multiple submitters, no conflicts (2 of 4 stars). 3 submissions from 3 submitters: Pathogenic (1); Likely pathogenic (1). 1 of the submissions does not count toward it. Last evaluated 2023-09-21.

Conditions:
DYNLT2B-related disorder. Also called: DYNLT2B-related condition.
Short-rib thoracic dysplasia 17 with or without polydactyly (SRTD17). Identifiers: MedGen C4479416, MONDO:0054565, OMIM 617405.

Allele frequency attached by ClinVar (database versions not stated): ExAC 0.00001; gnomAD exomes 0.00001.

Submissions (3):

Blueprint Genetics
Classification: Likely pathogenic for DYNLT2B-related disorders. Last evaluated: 2023-09-21. Review status: criteria provided, single submitter. Criteria: ACMG Guidelines, 2015. Collection method: clinical testing. Allele origin: germline. Affected: yes. Observed: 1 variant allele.

Labcorp Genetics (formerly Invitae), Labcorp
Classification: Pathogenic. Last evaluated: 2017-11-11. Review status: criteria provided, single submitter. Criteria: Invitae Variant Classification Sherloc (09022015). Collection method: clinical testing. Allele origin: germline.
Comment: This variant has been reported in an individual affected with Jeune asphyxiating thoracic dystrophy (PMID: 26044572). ClinVar contains an entry for this variant (Variation ID: 417792). This variant is present in population databases (rs771373235, ExAC 0.001%). This sequence change creates a premature translational stop signal (p.Arg88*) in the TCTEX1D2 gene. It is expected to result in an absent or disrupted protein product. For these reasons, this variant has been classified as Pathogenic. Loss-of-function variants in TCTEX1D2 are known to be pathogenic (PMID: 26044572).

OMIM
Classification: Pathogenic for SHORT-RIB THORACIC DYSPLASIA 17 WITHOUT POLYDACTYLY. Last evaluated: 2024-01-12. Review status: no assertion criteria provided. Collection method: literature only. Allele origin: germline. Not counted in ClinVar's aggregate classification.

Literature cited by the submitters: PubMed 26044572 (cited by Labcorp Genetics (formerly Invitae), Labcorp); PubMed 27021811 (cited by OMIM).

NM_152773.5(DYNLT2B):c.262C>T (p.Arg88Ter)

Gene: DYNLT2B (dynein light chain Tctex-type 2B; minus strand). Cytogenetic location: 3q29.
Variant type: single nucleotide variant.
Coding change: c.262C>T on transcript NM_152773.5 (MANE Select); coding-DNA position 262, C replaced by T.
Protein change: p.Arg88Ter; replaces arginine 88 with a stop codon.
Molecular consequence: nonsense.
Genome position (GRCh38, 1-based): chr3:196,306,998, G>A on the plus strand (C>T on the coding strand, the complement: DYNLT2B is on the minus strand). VCF-style: chr3-196306998-G-A. GRCh37 (hg19) VCF-style: chr3-196033869-G-A.
Other names: c.262C>T, p.Arg88Ter (NM_001351628.2); short protein forms R88*.
Identifiers: ClinVar variation 417792 (VCV000417792.8), dbSNP rs771373235, ClinGen allele CA2779763.